The following is an entry in ClinVar:

NM_001114753.3(ENG):c.103G>T (p.Val35Leu)

Gene: ENG (endoglin; minus strand). Cytogenetic location: 9q34.11.
Variant type: single nucleotide variant.
Coding change: c.103G>T on transcript NM_001114753.3 (MANE Select); coding-DNA position 103, G replaced by T.
Protein change: p.Val35Leu; replaces valine 35 with leucine.
Molecular consequence: missense variant. On other transcripts: 5 prime UTR variant (1).
Genome position (GRCh38, 1-based): chr9:127,843,210, C>A on the plus strand (G>T on the coding strand, the complement: ENG is on the minus strand). VCF-style: chr9-127843210-C-A. GRCh37 (hg19) VCF-style: chr9-130605489-C-A.
Other names: c.103G>T, p.Val35Leu (NM_000118.4, NM_001406715.1); c.-444G>T (NM_001278138.2); short protein forms V35L.
Identifiers: ClinVar variation 4743315 (VCV004743315.1).

ClinVar aggregate classification (germline): Uncertain significance (1 of 4 stars; one submission).

Conditions:
Hereditary hemorrhagic telangiectasia (HHT). Also called: ORW DISEASE; Osler Weber Rendu syndrome; OSLER-RENDU-WEBER DISEASE; Osler hemorrhagic telangiectasia syndrome. Identifiers: Orphanet 774, MedGen C0039445, MONDO:0019180. Disease mechanism: loss of function.

Submission:

Labcorp Genetics (formerly Invitae), Labcorp
Classification: Uncertain significance for Hereditary hemorrhagic telangiectasia. Last evaluated: 2025-02-18. Review status: criteria provided, single submitter. Criteria: Invitae Variant Classification Sherloc (09022015). Collection method: clinical testing. Allele origin: germline.
Comment: This sequence change replaces valine, which is neutral and non-polar, with leucine, which is neutral and non-polar, at codon 35 of the ENG protein (p.Val35Leu). This variant is not present in population databases (gnomAD no frequency). This variant has not been reported in the literature in individuals affected with ENG-related conditions. Invitae Evidence Modeling of protein sequence and biophysical properties (such as structural, functional, and spatial information, amino acid conservation, physicochemical variation, residue mobility, and thermodynamic stability) indicates that this missense variant is not expected to disrupt ENG protein function with a negative predictive value of 95%. In summary, the available evidence is currently insufficient to determine the role of this variant in disease. Therefore, it has been classified as a Variant of Uncertain Significance.